The following is an entry in ClinVar:

NM_001040108.2(MLH3):c.3675C>T (p.His1225=)

Gene: MLH3 (mutL homolog 3; minus strand). Cytogenetic location: 14q24.3.
Variant type: single nucleotide variant.
Coding change: c.3675C>T on transcript NM_001040108.2 (MANE Select); coding-DNA position 3675, C replaced by T.
Protein change: p.His1225=; no amino-acid change (histidine 1225 retained).
Molecular consequence: synonymous variant. On other transcripts: intron variant (1).
Genome position (GRCh38, 1-based): chr14:75,033,459, G>A on the plus strand (C>T on the coding strand, the complement: MLH3 is on the minus strand). VCF-style: chr14-75033459-G-A. GRCh37 (hg19) VCF-style: chr14-75500162-G-A.
Other names: c.3644-1280C>T (NM_014381.3).
Identifiers: ClinVar variation 1120957 (VCV001120957.12), dbSNP rs147335651, ClinGen allele CA7275364.

ClinVar aggregate classification (germline): Benign/Likely benign. Review status: criteria provided, multiple submitters, no conflicts (2 of 4 stars). 4 submissions from 4 submitters: Benign (1); Likely benign (3). Last evaluated 2026-05-06.

Conditions:
Colorectal cancer, hereditary nonpolyposis, type 7. Identifiers: Orphanet 144, MedGen C1858380, MONDO:0013725, OMIM 614385.

Allele frequency attached by ClinVar (database versions not stated): ExAC 0.00004; ESP Exome Variant Server 0.00015; TOPMed 0.00004; gnomAD 0.00004 and 0.00003; gnomAD exomes 0.00002.
gnomAD v4.1: 30 of 1,613,934 alleles (0.0019%); highest among the groups gnomAD compares: Middle Eastern, 0.016%; no homozygotes.

Submissions (4):

Myriad Genetics, Inc.
Classification: Benign for Colorectal cancer, hereditary nonpolyposis, type 7. Last evaluated: 2026-05-06. Review status: criteria provided, single submitter. Criteria: Myriad Autosomal Dominant, Autosomal Recessive and X-Linked Classification Criteria (2023). Collection method: clinical testing. Allele origin: unknown.
Comment: This variant is considered benign. This variant is a silent/synonymous amino acid change and it is not expected to impact splicing.

Labcorp Genetics (formerly Invitae), Labcorp
Classification: Likely benign for Colorectal cancer, hereditary nonpolyposis, type 7. Last evaluated: 2025-04-08. Review status: criteria provided, single submitter. Criteria: Invitae Variant Classification Sherloc (09022015). Collection method: clinical testing. Allele origin: germline.

ARUP Laboratories, Molecular Genetics and Genomics, ARUP Laboratories
Classification: Likely benign. Last evaluated: 2023-04-19. Review status: criteria provided, single submitter. Criteria: ARUP Molecular Germline Variant Investigation Process 2024. Collection method: clinical testing. Allele origin: germline.

Ambry Genetics
Classification: Likely benign. Last evaluated: 2020-10-08. Review status: criteria provided, single submitter. Criteria: Ambry Variant Classification Scheme 2023. Collection method: clinical testing. Allele origin: germline.